The following is an entry in ClinVar:

NM_177438.3(DICER1):c.4658G>A (p.Cys1553Tyr)

Gene: DICER1 (dicer 1, ribonuclease III; minus strand). Cytogenetic location: 14q32.13.
Variant type: single nucleotide variant.
Coding change: c.4658G>A on transcript NM_177438.3 (MANE Select); coding-DNA position 4658, G replaced by A.
Protein change: p.Cys1553Tyr; replaces cysteine 1553 with tyrosine.
Molecular consequence: missense variant. On other transcripts: non-coding transcript variant (6).
Genome position (GRCh38, 1-based): chr14:95,096,262, C>T on the plus strand (G>A on the coding strand, the complement: DICER1 is on the minus strand). VCF-style: chr14-95096262-C-T. GRCh37 (hg19) VCF-style: chr14-95562599-C-T.
Other names: c.4658G>A, p.Cys1553Tyr (NM_001195573.1, NM_001271282.3, NM_001291628.2 and 13 more transcripts); c.4376G>A, p.Cys1459Tyr (NM_001395686.1); c.4253G>A, p.Cys1418Tyr (NM_001395687.1, NM_001395688.1, NM_001395689.1 and 2 more transcripts); c.4091G>A, p.Cys1364Tyr (NM_001395691.1); c.2975G>A, p.Cys992Tyr (NM_001395697.1); short protein forms C1364Y, C992Y, C1418Y, C1459Y, C1553Y.
Identifiers: ClinVar variation 1998544 (VCV001998544.4), dbSNP rs2139846213, ClinGen allele CA390867588.

ClinVar aggregate classification (germline): Uncertain significance (1 of 4 stars; one submission).

Conditions:
DICER1-related tumor predisposition. Also called: DICER1-related pleuropulmonary blastoma cancer predisposition syndrome; DICER1 syndrome. Identifiers: Orphanet 284343, MedGen C3839822, MONDO:0100216.

Allele frequency attached by ClinVar (database versions not stated): gnomAD exomes below 0.00001.
gnomAD v4.1: 1 of 1,614,228 alleles (0.000062%); highest among the groups gnomAD compares: Non-Finnish European, 0.000085%; no homozygotes.

Submission:

Labcorp Genetics (formerly Invitae), Labcorp
Classification: Uncertain significance for DICER1-related tumor predisposition. Last evaluated: 2022-05-25. Review status: criteria provided, single submitter. Criteria: Invitae Variant Classification Sherloc (09022015). Collection method: clinical testing. Allele origin: germline.
Comment: This variant is not present in population databases (gnomAD no frequency). In summary, the available evidence is currently insufficient to determine the role of this variant in disease. Therefore, it has been classified as a Variant of Uncertain Significance. Algorithms developed to predict the effect of missense changes on protein structure and function are either unavailable or do not agree on the potential impact of this missense change (SIFT: "Tolerated"; PolyPhen-2: "Probably Damaging"; Align-GVGD: "Class C0"). This variant has not been reported in the literature in individuals affected with DICER1-related conditions. This sequence change replaces cysteine, which is neutral and slightly polar, with tyrosine, which is neutral and polar, at codon 1553 of the DICER1 protein (p.Cys1553Tyr).